The following is an entry in ClinVar:

ClinVar aggregate classification (germline): Conflicting classifications of pathogenicity. Review status: criteria provided, conflicting classifications (1 of 4 stars). 7 submissions from 7 submitters: Uncertain significance (5); Likely benign (1). 1 of the submissions does not count toward it. Last evaluated 2026-07-30.

Conditions:
Meckel-Gruber syndrome. Also called: DYSENCEPHALIA SPLANCHNOCYSTICA; GRUBER SYNDROME; Dysencephalia splachnocystica. Identifiers: Orphanet 564, MedGen C0265215, MONDO:0018921.
Nephronophthisis. Also called: Juvenile Nephronophthisis. Identifiers: Orphanet 655, MedGen C0687120, MONDO:0019005, HP:0000090.
Joubert syndrome. Also called: JOUBERT-BOLTSHAUSER SYNDROME; Familial aplasia of the vermis. Identifiers: Orphanet 475, MedGen C5979921, MONDO:0018772.
Leber congenital amaurosis (LCA). Also called: Leber's amaurosis. Identifiers: Orphanet 65, MedGen C0339527, MeSH D057130, MONDO:0018998.
CEP290-related disorder. Also called: CEP290-related disorders; CEP290-related condition. Identifiers: MedGen CN239314.
Inborn genetic diseases. Identifiers: MedGen C0950123, MeSH D030342.
Leber congenital amaurosis 10 (LCA10). Identifiers: Orphanet 65, MedGen C1857821, MONDO:0012723, OMIM 611755.
Bardet-Biedl syndrome 14 (BBS14). Identifiers: Orphanet 110, MedGen C2673874, MONDO:0014442, OMIM 615991.
Meckel syndrome, type 4 (MKS4). Also called: MECKEL-GRUBER SYNDROME, TYPE 4. Identifiers: Orphanet 564, MedGen C1970161, MONDO:0012626, OMIM 611134.
Joubert syndrome 5 (JBTS5). Identifiers: Orphanet 2318, MedGen C1857780, MONDO:0012432, OMIM 610188.
Senior-Loken syndrome 6 (SLSN6). Identifiers: Orphanet 3156, MedGen C1857779, MONDO:0012433, OMIM 610189.

Allele frequency attached by ClinVar (database versions not stated): ExAC below 0.00001; gnomAD exomes 0.00002; gnomAD 0.00019 and 0.00022; TOPMed 0.00023.
gnomAD v4.1: 57 of 1,574,090 alleles (0.0036%); highest among the groups gnomAD compares: African/African-American, 0.057%; 1 homozygote.

Submissions (7):

PreventionGenetics, part of Exact Sciences
Classification: Uncertain significance for CEP290-related condition. Last evaluated: 2026-07-30. Review status: criteria provided, single submitter. Criteria: ACMG Guidelines, 2015. Collection method: clinical testing. Allele origin: germline.
Comment: The CEP290 c.6558T>G variant is predicted to result in the amino acid substitution p.His2186Gln. To our knowledge, this variant has not been reported in the literature. This variant is reported in 0.033% of alleles in individuals of African descent in gnomAD v2. However, in gnomAD v4 (available only on GRCh38), this variant is reported in 0.057% of alleles in a subpopulation, including 1 homozygote. This population data is not consistent with this variant being a highly penetrant causative variant. Although we suspect that this variant may be benign, the clinical significance of this variant is classified as uncertain at this time due to insufficient functional and genetic evidence.

Labcorp Genetics (formerly Invitae), Labcorp
Classification: Uncertain significance for Joubert syndrome; Meckel-Gruber syndrome; Nephronophthisis. Last evaluated: 2026-02-03. Review status: criteria provided, single submitter. Criteria: Invitae Variant Classification Sherloc (09022015). Collection method: clinical testing. Allele origin: germline.
Comment: This sequence change replaces histidine, which is basic and polar, with glutamine, which is neutral and polar, at codon 2186 of the CEP290 protein (p.His2186Gln). This variant is present in population databases (rs772603458, gnomAD 0.04%). This variant has not been reported in the literature in individuals affected with CEP290-related conditions. ClinVar contains an entry for this variant (Variation ID: 290846). Invitae Evidence Modeling of protein sequence and biophysical properties (such as structural, functional, and spatial information, amino acid conservation, physicochemical variation, residue mobility, and thermodynamic stability) indicates that this missense variant is not expected to disrupt CEP290 protein function with a negative predictive value of 80%. In summary, the available evidence is currently insufficient to determine the role of this variant in disease. Therefore, it has been classified as a Variant of Uncertain Significance.

Ambry Genetics
Classification: Uncertain significance for Inborn genetic diseases. Last evaluated: 2025-02-26. Review status: criteria provided, single submitter. Criteria: Ambry Variant Classification Scheme 2023. Collection method: clinical testing. Allele origin: germline.

Fulgent Genetics
Classification: Likely benign for Joubert syndrome 5; Senior-Loken syndrome 6; Meckel syndrome, type 4; Leber congenital amaurosis 10; Bardet-Biedl syndrome 14. Last evaluated: 2024-02-14. Review status: criteria provided, single submitter. Criteria: ACMG Guidelines, 2015. Collection method: clinical testing. Allele origin: germline.

Mayo Clinic Laboratories, Mayo Clinic
Classification: Uncertain significance. Last evaluated: 2023-06-12. Review status: criteria provided, single submitter. Criteria: ACMG Guidelines, 2015. Collection method: clinical testing. Allele origin: germline. Observed: 1 variant allele.
Comment: BP4

Eurofins Ntd Llc (ga)
Classification: Uncertain significance. Last evaluated: 2016-09-14. Review status: criteria provided, single submitter. Criteria: EGL Classification Definitions 2015. Collection method: clinical testing. Allele origin: germline. Observed: 1 variant allele, 1 heterozygote.

Natera, Inc.
Classification: Uncertain significance for Leber congenital amaurosis. Last evaluated: 2019-10-28. Review status: no assertion criteria provided. Collection method: clinical testing. Allele origin: germline. Not counted in ClinVar's aggregate classification.

NM_025114.4(CEP290):c.6558T>G (p.His2186Gln)

Gene: CEP290 (centrosomal protein 290; minus strand). Cytogenetic location: 12q21.32.
Variant type: single nucleotide variant.
Coding change: c.6558T>G on transcript NM_025114.4 (MANE Select); coding-DNA position 6558, T replaced by G.
Protein change: p.His2186Gln; replaces histidine 2186 with glutamine.
Molecular consequence: missense variant.
Genome position (GRCh38, 1-based): chr12:88,059,985, A>C on the plus strand (T>G on the coding strand, the complement: CEP290 is on the minus strand). VCF-style: chr12-88059985-A-C. GRCh37 (hg19) VCF-style: chr12-88453762-A-C.
Other names: p.His2186Gln; c.6558T>G (NM_025114.3); short protein forms H2186Q.
Identifiers: ClinVar variation 290846 (VCV000290846.14), dbSNP rs772603458, ClinGen allele CA6711473.